The following is an entry in ClinVar:

NM_014491.4(FOXP2):c.*2265G>T

Gene: FOXP2 (forkhead box P2; plus strand). Cytogenetic location: 7q31.1.
Variant type: single nucleotide variant.
Coding change: c.*2265G>T on transcript NM_014491.4 (MANE Select); 2265 bases downstream of the stop codon, G replaced by T.
Molecular consequence: 3 prime UTR variant. On other transcripts: non-coding transcript variant (2).
Genome position (GRCh38, 1-based): chr7:114,692,191, G>T. VCF-style: chr7-114692191-G-T. GRCh37 (hg19) VCF-style: chr7-114332246-G-T.
Other names: c.*2265G>T (NM_001172766.3, NM_148898.4, NM_148900.4).
Identifiers: ClinVar variation 358654 (VCV000358654.6), dbSNP rs12705977, ClinGen allele CA4446463.
Genomic context (GRCh38, chr7:114,692,191, plus strand): 5'-CTGTAAGGATTATCTGAAAGGAAAAATGGGTCTTTCAGGTGCATGTTCAAAAGGCTTTGA[G>T]GGACTGGAAGTAACTGCGAGAGTTGTACCATCAGAAGGGTGGCCTAAGACTACAATGCTA-3'

ClinVar aggregate classification (germline): Benign. Review status: criteria provided, multiple submitters, no conflicts (2 of 4 stars). 2 submissions from 2 submitters: Benign (2). Last evaluated 2018-01-12.

Conditions:
Childhood apraxia of speech (SPCH1). Also called: DEVELOPMENTAL VERBAL DYSPRAXIA; Speech language disorder; FOXP2-Related Speech and Language Disorder; SPEECH AND LANGUAGE DISORDER WITH OROFACIAL DYSPRAXIA. Identifiers: Orphanet 209908, MedGen C0750927, MONDO:0011184, OMIM 602081.

Allele frequency attached by ClinVar (database versions not stated): 1000 Genomes Project 30x 0.22205; 1000 Genomes Project 0.22304; TOPMed 0.31046; ExAC 0.32618; gnomAD 0.33160 and 0.33362.
gnomAD v4.1: 167,067 of 453,648 alleles (37%); highest among the groups gnomAD compares: Non-Finnish European, 46%; 33,919 homozygotes.

Submissions (2):

Illumina Laboratory Services, Illumina
Classification: Benign for Childhood apraxia of speech. Last evaluated: 2018-01-12. Review status: criteria provided, single submitter. Criteria: ICSL Variant Classification Criteria 13 December 2019. Collection method: clinical testing. Allele origin: germline.
Comment: This variant was observed in the ICSL laboratory as part of a predisposition screen in an ostensibly healthy population. It had not been previously curated by ICSL or reported in the Human Gene Mutation Database (HGMD: prior to June 1st, 2018), and was therefore a candidate for classification through an automated scoring system. Utilizing variant allele frequency, disease prevalence and penetrance estimates, and inheritance mode, an automated score was calculated to assess if this variant is too frequent to cause the disease. Based on the score and internal cut-off values, a variant classified as benign is not then subjected to further curation. The score for this variant resulted in a classification of benign for this disease.

Breakthrough Genomics
Classification: Benign. Review status: criteria provided, single submitter. Criteria: ACMG Guidelines, 2015. Collection method: not provided. Allele origin: germline. Inheritance: Autosomal dominant inheritance. Affected: yes.